The following is an entry in ClinVar:

ClinVar aggregate classification (germline): Likely benign. Review status: criteria provided, multiple submitters, no conflicts (2 of 4 stars). 2 submissions from 2 submitters: Likely benign (2). Last evaluated 2026-02-03.

Conditions:
TRPM6-related disorder. Also called: TRPM6-related condition.

Allele frequency attached by ClinVar (database versions not stated): gnomAD exomes 0.00002; ExAC 0.00003; gnomAD 0.00012; TOPMed 0.00013; ESP Exome Variant Server 0.00015; 1000 Genomes Project 30x 0.00016; 1000 Genomes Project 0.00020.
gnomAD v4.1: 51 of 1,614,100 alleles (0.0032%); highest among the groups gnomAD compares: African/African-American, 0.048%; no homozygotes.

Submissions (2):

PreventionGenetics, part of Exact Sciences
Classification: Likely benign for TRPM6-related condition. Last evaluated: 2026-02-03. Review status: criteria provided, single submitter. Criteria: ACMG Guidelines, 2015. Collection method: clinical testing. Allele origin: germline.
Comment: This variant is classified as likely benign based on ACMG/AMP sequence variant interpretation guidelines (Richards et al. 2015 PMID: 25741868, with internal and published modifications).

Labcorp Genetics (formerly Invitae), Labcorp
Classification: Likely benign. Last evaluated: 2025-06-12. Review status: criteria provided, single submitter. Criteria: Invitae Variant Classification Sherloc (09022015). Collection method: clinical testing. Allele origin: germline.

NM_017662.5(TRPM6):c.5304G>A (p.Gln1768=)

Gene: TRPM6 (transient receptor potential cation channel subfamily M member 6; minus strand). Cytogenetic location: 9q21.13.
Variant type: single nucleotide variant.
Coding change: c.5304G>A on transcript NM_017662.5 (MANE Select); coding-DNA position 5304, G replaced by A.
Protein change: p.Gln1768=; no amino-acid change (glutamine 1768 retained).
Molecular consequence: synonymous variant.
Genome position (GRCh38, 1-based): chr9:74,739,906, C>T on the plus strand (G>A on the coding strand, the complement: TRPM6 is on the minus strand). VCF-style: chr9-74739906-C-T. GRCh37 (hg19) VCF-style: chr9-77354822-C-T.
Other names: c.5304G>A (NM_017662.4); c.5289G>A, p.Gln1763= (NM_001177310.2, NM_001177311.2).
Identifiers: ClinVar variation 1914506 (VCV001914506.6), dbSNP rs144713167, ClinGen allele CA5083837.